The following is an entry in ClinVar:

ClinVar aggregate classification (germline): Uncertain significance (1 of 4 stars; one submission).

Submission:

Labcorp Genetics (formerly Invitae), Labcorp
Classification: Uncertain significance. Last evaluated: 2024-12-02. Review status: criteria provided, single submitter. Criteria: Invitae Variant Classification Sherloc (09022015). Collection method: clinical testing. Allele origin: germline.
Comment: This sequence change replaces glycine, which is neutral and non-polar, with glutamic acid, which is acidic and polar, at codon 33 of the GNRH1 protein (p.Gly33Glu). This variant is not present in population databases (gnomAD no frequency). This variant has not been reported in the literature in individuals affected with GNRH1-related conditions. ClinVar contains an entry for this variant (Variation ID: 2798634). Experimental studies and prediction algorithms are not available or were not evaluated, and the functional significance of this variant is currently unknown. In summary, the available evidence is currently insufficient to determine the role of this variant in disease. Therefore, it has been classified as a Variant of Uncertain Significance.

NM_001083111.2(GNRH1):c.86G>A (p.Gly29Glu)

Gene: GNRH1 (gonadotropin releasing hormone 1; minus strand). Cytogenetic location: 8p21.2.
Variant type: single nucleotide variant.
Coding change: c.86G>A on transcript NM_001083111.2 (MANE Select); coding-DNA position 86, G replaced by A.
Protein change: p.Gly29Glu; replaces glycine 29 with glutamic acid.
Molecular consequence: missense variant.
Genome position (GRCh38, 1-based): chr8:25,423,245, C>T on the plus strand (G>A on the coding strand, the complement: GNRH1 is on the minus strand). VCF-style: chr8-25423245-C-T. GRCh37 (hg19) VCF-style: chr8-25280761-C-T.
Other names: c.98G>A, p.Gly33Glu (NM_000825.3); short protein forms G29E, G33E.
Identifiers: ClinVar variation 2798634 (VCV002798634.3), dbSNP rs2486975278, ClinGen allele CA370774121.
Genomic context (GRCh38, chr8:25,423,245, plus strand): 5'-CTTACCTCTTGGAAAGAATCAATCAAATTTTCGGCATCTCTCTTTCCTCCAGGGCGCAGT[C>T]CATAGGACCAGTGCTGGCTGGAGCAGCCTTCCACGCACCAAGTCAGTAGAATAAGGCCAG-3'
Protein context (NP_001076580.1, residues 19-39): EGCSSQHWSY[Gly29Glu]LRPGGKRDAE